The following is an entry in ClinVar:

ClinVar aggregate classification (germline): Uncertain significance. Review status: criteria provided, multiple submitters, no conflicts (2 of 4 stars). 2 submissions from 2 submitters: Uncertain significance (2). Last evaluated 2024-02-01.

Allele frequency attached by ClinVar (database versions not stated): TOPMed 0.00003; ExAC 0.00004; gnomAD 0.00004; gnomAD exomes 0.00004; ESP Exome Variant Server 0.00008.
gnomAD v4.1: 32 of 1,605,528 alleles (0.002%); highest among the groups gnomAD compares: African/African-American, 0.0027%; no homozygotes.

Submissions (2):

Labcorp Genetics (formerly Invitae), Labcorp
Classification: Uncertain significance. Last evaluated: 2024-02-01. Review status: criteria provided, single submitter. Criteria: Invitae Variant Classification Sherloc (09022015). Collection method: clinical testing. Allele origin: germline.
Comment: This sequence change replaces glycine, which is neutral and non-polar, with arginine, which is basic and polar, at codon 137 of the ZNF513 protein (p.Gly137Arg). This variant is present in population databases (rs376917412, gnomAD 0.008%). This variant has not been reported in the literature in individuals affected with ZNF513-related conditions. ClinVar contains an entry for this variant (Variation ID: 1522609). An algorithm developed to predict the effect of missense changes on protein structure and function (PolyPhen-2) suggests that this variant is likely to be disruptive. In summary, the available evidence is currently insufficient to determine the role of this variant in disease. Therefore, it has been classified as a Variant of Uncertain Significance.

Blueprint Genetics
Classification: Uncertain significance. Last evaluated: 2022-11-06. Review status: criteria provided, single submitter. Criteria: ACMG Guidelines, 2015. Collection method: clinical testing. Allele origin: germline.

NM_144631.6(ZNF513):c.409G>A (p.Gly137Arg)

Gene: ZNF513 (zinc finger protein 513; minus strand). Cytogenetic location: 2p23.3.
Variant type: single nucleotide variant.
Coding change: c.409G>A on transcript NM_144631.6 (MANE Select); coding-DNA position 409, G replaced by A.
Protein change: p.Gly137Arg; replaces glycine 137 with arginine.
Molecular consequence: missense variant.
Genome position (GRCh38, 1-based): chr2:27,378,857, C>T on the plus strand (G>A on the coding strand, the complement: ZNF513 is on the minus strand). VCF-style: chr2-27378857-C-T. GRCh37 (hg19) VCF-style: chr2-27601724-C-T.
Other names: c.223G>A, p.Gly75Arg (NM_001201459.2); short protein forms G137R, G75R.
Identifiers: ClinVar variation 1522609 (VCV001522609.7), dbSNP rs376917412, ClinGen allele CA1578063.
Genomic context (GRCh38, chr2:27,378,857, plus strand): 5'-AGGTGCAGAGGCGGCATGAGTACAGTAGCCGTGGGGGCAGCAGGGGCCCCCCACCCGGCC[C>T]TCCTGCCCCACAACACGGCCCCTCACCTGTCGGCCCCCCACACAGCTGGCAGGCTGGGCC-3'
Protein context (NP_653232.3, residues 127-147): TGEGPCCGAG[Gly137Arg]PGGGPLLPPR